The following is an entry in ClinVar:

ClinVar aggregate classification (germline): Uncertain significance (1 of 4 stars; one submission).

Conditions:
Giant axonal neuropathy 1 (GAN1). Also called: GAN-Related Neurodegeneration; GIANT AXONAL NEUROPATHY 1, AUTOSOMAL RECESSIVE. Identifiers: Orphanet 643, MedGen C1850386, MONDO:0009749, OMIM 256850.

Allele frequency attached by ClinVar (database versions not stated): TOPMed 0.00002.
gnomAD v4.1: 13 of 1,613,138 alleles (0.00081%); highest among the groups gnomAD compares: Non-Finnish European, 0.0011%; no homozygotes.

Submission:

Labcorp Genetics (formerly Invitae), Labcorp
Classification: Uncertain significance for Giant axonal neuropathy 1. Last evaluated: 2021-09-01. Review status: criteria provided, single submitter. Criteria: Invitae Variant Classification Sherloc (09022015). Collection method: clinical testing. Allele origin: germline.
Comment: This sequence change falls in intron 8 of the GAN gene. It does not directly change the encoded amino acid sequence of the GAN protein. It affects a nucleotide within the consensus splice site of the intron. This variant is present in population databases (rs137934652, ExAC 0.002%). This variant has not been reported in the literature in individuals affected with GAN-related conditions. Variants that disrupt the consensus splice site are a relatively common cause of aberrant splicing (PMID: 17576681, 9536098). Algorithms developed to predict the effect of sequence changes on RNA splicing suggest that this variant is not likely to affect RNA splicing. In summary, the available evidence is currently insufficient to determine the role of this variant in disease. Therefore, it has been classified as a Variant of Uncertain Significance.

Literature cited by the submitters: PubMed 17576681; PubMed 9536098.

NM_022041.4(GAN):c.1373+4C>G

Gene: GAN (gigaxonin; plus strand). Cytogenetic location: 16q23.2.
Variant type: single nucleotide variant.
Coding change: c.1373+4C>G on transcript NM_022041.4 (MANE Select); 4 bases into the intron after coding-DNA position 1373, C replaced by G.
Molecular consequence: intron variant.
Genome position (GRCh38, 1-based): chr16:81,365,114, C>G. VCF-style: chr16-81365114-C-G. GRCh37 (hg19) VCF-style: chr16-81398719-C-G.
Other names: c.734+4C>G (NM_001377486.1).
Identifiers: ClinVar variation 863129 (VCV000863129.7), dbSNP rs137934652, ClinGen allele CA8191717.